The following is an entry in ClinVar:

ClinVar aggregate classification (germline): Pathogenic/Likely pathogenic. Review status: criteria provided, multiple submitters, no conflicts (2 of 4 stars). 2 submissions from 2 submitters: Pathogenic (1); Likely pathogenic (1). Last evaluated 2025-12-03.

Conditions:
Stickler syndrome type 1 (STL1). Also called: STICKLER SYNDROME, MEMBRANOUS VITREOUS TYPE; STICKLER SYNDROME, VITREOUS TYPE 1; ARTHROOPHTHALMOPATHY, HEREDITARY PROGRESSIVE; COL2A1-Related Stickler Syndrome. Identifiers: Orphanet 828, Orphanet 90653, MedGen C2020284, MONDO:0007160, OMIM 108300.

Submissions (2):

Labcorp Genetics (formerly Invitae), Labcorp
Classification: Pathogenic. Last evaluated: 2025-12-03. Review status: criteria provided, single submitter. Criteria: Invitae Variant Classification Sherloc (09022015). Collection method: clinical testing. Allele origin: germline.
Comment: This variant, c.2173_2181del, results in the deletion of 3 amino acid(s) of the COL2A1 protein (p.Pro725_Thr727del), but otherwise preserves the integrity of the reading frame. This variant is not present in population databases (gnomAD no frequency). This variant has been observed in individuals with clinical features of Stickler syndrome (PMID: 38246255; internal data). ClinVar contains an entry for this variant (Variation ID: 2443308). This variant disrupts the triple helix domain of COL2A1. Glycine residues within the Gly-Xaa-Yaa repeats of the triple helix domain are required for the structure and stability of fibrillar collagens (PMID: 7695699, 8218237, 19344236). In COL2A1, variants affecting these glycine residues are significantly enriched in individuals with disease (PMID: 9016532, 17078022) compared to the general population (ExAC). For these reasons, this variant has been classified as Pathogenic.

Laboratory of Functional Genomics, Research Centre for Medical Genetics
Classification: Likely pathogenic for Stickler syndrome type 1. Review status: criteria provided, single submitter. Criteria: ACMG Guidelines, 2015. Collection method: clinical testing. Allele origin: unknown. Affected: yes. Observed: 1 heterozygote.

Literature cited by the submitters: PubMed 38246255 (cited by Labcorp Genetics (formerly Invitae), Labcorp); PubMed 7695699 (cited by Labcorp Genetics (formerly Invitae), Labcorp); PubMed 8218237 (cited by Labcorp Genetics (formerly Invitae), Labcorp); PubMed 19344236 (cited by Labcorp Genetics (formerly Invitae), Labcorp); PubMed 9016532 (cited by Labcorp Genetics (formerly Invitae), Labcorp); PubMed 17078022 (cited by Labcorp Genetics (formerly Invitae), Labcorp).

NM_001844.5(COL2A1):c.2173_2181del (p.722PGT[1])

Gene: COL2A1 (collagen type II alpha 1 chain; minus strand). Cytogenetic location: 12q13.11.
Variant type: Deletion.
Coding change: c.2173_2181del on transcript NM_001844.5 (MANE Select); coding-DNA positions 2173 to 2181, 9 bases deleted (CCTGGCACT; older notation c.2173_2181delCCTGGCACT).
Protein change: p.722PGT[1].
Molecular consequence: inframe deletion.
Genome position (GRCh38, 1-based): chr12:47,982,860-47,982,868, AGTGCCAGG deleted on the plus strand (CCTGGCACT on the coding strand, the reverse complement: COL2A1 is on the minus strand); deleting any 9 consecutive bases within chr12:47,982,860-47,982,874 gives the same sequence; the c. name uses the placement nearest the transcript's 3' end. VCF-style (leftmost placement, unchanged base first): chr12-47982859-CAGTGCCAGG-C. GRCh37 (hg19) VCF-style: chr12-48376642-CAGTGCCAGG-C.
Other names: NM_001844.5:c.2173_2181delCCTGGCACT; c.1966_1974del, p.653PGT[1] (NM_033150.3).
Identifiers: ClinVar variation 2443308 (VCV002443308.3), dbSNP rs2540135688, ClinGen allele CA2580085592.